The following is an entry in ClinVar:

NM_018051.5(DYNC2I1):c.868A>G (p.Arg290Gly)

Gene: DYNC2I1 (dynein 2 intermediate chain 1; plus strand). Cytogenetic location: 7q36.3.
Variant type: single nucleotide variant.
Coding change: c.868A>G on transcript NM_018051.5 (MANE Select); coding-DNA position 868, A replaced by G.
Protein change: p.Arg290Gly; replaces arginine 290 with glycine.
Molecular consequence: missense variant. On other transcripts: 5 prime UTR variant (3), synonymous variant (1).
Genome position (GRCh38, 1-based): chr7:158,879,978, A>G. VCF-style: chr7-158879978-A-G. GRCh37 (hg19) VCF-style: chr7-158672669-A-G.
Other names: c.730A>G, p.Arg244Gly (NM_001350914.2); c.-499A>G (NM_001350917.2); c.-618A>G (NM_001350918.2); c.351A>G, p.Lys117= (NM_001350915.2); c.-491A>G (NM_001350916.2); short protein forms R290G, R244G.
Identifiers: ClinVar variation 2705608 (VCV002705608.3), dbSNP rs2535900190, ClinGen allele CA370180889.

ClinVar aggregate classification (germline): Uncertain significance (1 of 4 stars; one submission).

Conditions:
Short-rib thoracic dysplasia 8 with or without polydactyly (SRTD8). Also called: SHORT-RIB THORACIC DYSPLASIA 8 WITH POLYDACTYLY. Identifiers: Orphanet 93271, MedGen C3809691, MONDO:0014214, OMIM 615503.

Allele frequency attached by ClinVar (database versions not stated): gnomAD exomes below 0.00001.
gnomAD v4.1: 1 of 1,593,580 alleles (0.000063%); highest among the groups gnomAD compares: Non-Finnish European, 0.000085%; no homozygotes.

Submission:

Labcorp Genetics (formerly Invitae), Labcorp
Classification: Uncertain significance for Short-rib thoracic dysplasia 8 with or without polydactyly. Last evaluated: 2023-12-26. Review status: criteria provided, single submitter. Criteria: Invitae Variant Classification Sherloc (09022015). Collection method: clinical testing. Allele origin: germline.
Comment: This sequence change replaces arginine, which is basic and polar, with glycine, which is neutral and non-polar, at codon 290 of the WDR60 protein (p.Arg290Gly). This variant is not present in population databases (gnomAD no frequency). This variant has not been reported in the literature in individuals affected with WDR60-related conditions. An algorithm developed to predict the effect of missense changes on protein structure and function (PolyPhen-2) suggests that this variant is likely to be disruptive. In summary, the available evidence is currently insufficient to determine the role of this variant in disease. Therefore, it has been classified as a Variant of Uncertain Significance.